The following is an entry in ClinVar:

ClinVar aggregate classification (germline): Uncertain significance (1 of 4 stars; one submission).

gnomAD v4.1: 1 of 1,613,870 alleles (0.000062%); highest among the groups gnomAD compares: African/African-American, 0.0013%; no homozygotes.

Submission:

Women's Health and Genetics/Laboratory Corporation of America, LabCorp
Classification: Uncertain significance. Last evaluated: 2025-06-03. Review status: criteria provided, single submitter. Criteria: LabCorp Variant Classification Summary - May 2015. Collection method: clinical testing. Allele origin: germline.
Comment: Variant summary: SPINK1 c.195-1G>A is located in a canonical splice-site and is predicted to affect mRNA splicing resulting in a significantly altered protein due to either exon skipping, shortening, or inclusion of intronic material. Variants that disrupt the consensus splice site are a relatively common cause of aberrant splicing and loss of SPINK1 function. However this variant is located within the last intron of the gene and is therefore not expected to undergo nonsense mediated decay. Several computational tools predict a significant impact on normal splicing: Four predict the variant abolishes a 3' acceptor site. Two predict the variant also creates a new 3' acceptor site. However, these predictions have yet to be confirmed by functional studies. The variant was absent in 249934 control chromosomes. The available data on variant occurrences in the general population are insufficient to allow any conclusion about variant significance. To our knowledge, no occurrence of c.195-1G>A in individuals affected with Chronic Pancreatitis and no experimental evidence demonstrating its impact on protein function have been reported. Additionally, to our knowledge, no other variants at the same canonical acceptor splice-site have been classified as pathogenic/likely pathogenic. No submitters have cited clinical-significance assessments for this variant to ClinVar. Based on the evidence outlined above, the variant was classified as uncertain significance.

NM_001379610.1(SPINK1):c.195-1G>A

Gene: SPINK1 (serine peptidase inhibitor Kazal type 1; minus strand). Cytogenetic location: 5q32.
Variant type: single nucleotide variant.
Coding change: c.195-1G>A on transcript NM_001379610.1 (MANE Select); the canonical splice acceptor site of the intron before coding-DNA position 195, G replaced by A.
Molecular consequence: splice acceptor variant.
Genome position (GRCh38, 1-based): chr5:147,824,707, C>T on the plus strand (G>A on the coding strand, the complement: SPINK1 is on the minus strand). VCF-style: chr5-147824707-C-T. GRCh37 (hg19) VCF-style: chr5-147204270-C-T.
Other names: c.195-1G>A (NM_003122.5, NM_001354966.2).
Identifiers: ClinVar variation 3907426 (VCV003907426.1).
Genomic context (GRCh38, chr5:147,824,707, plus strand): 5'-CAAAACCTTGGTTCTCAGCAAGGCCCAGATTTTTGAATGAGGATAGAAGTCTGGCGTTTC[C>T]TGCAGTAGAGATTAAAAAAAATATATCAGCTTAAACTTCACTGATGAAAAAGTGACTATG-3'